The following is an entry in ClinVar:

NM_005026.5(PIK3CD):c.1366A>G (p.Thr456Ala)

Genes: PIK3CD (phosphatidylinositol-4,5-bisphosphate 3-kinase catalytic subunit delta; plus strand), LOC126805612 (MED14-independent group 3 enhancer GRCh37_chr1:9778914-9780113; plus strand). Cytogenetic location: 1p36.22.
Variant type: single nucleotide variant.
Coding change: c.1366A>G on transcript NM_005026.5 (MANE Select); coding-DNA position 1366, A replaced by G.
Protein change: p.Thr456Ala; replaces threonine 456 with alanine.
Molecular consequence: missense variant.
Genome position (GRCh38, 1-based): chr1:9,720,138, A>G. VCF-style: chr1-9720138-A-G. GRCh37 (hg19) VCF-style: chr1-9780196-A-G.
Other names: p.Thr456Ala; NM_005026.5(PIK3CD):c.1366A>G; c.1366A>G (LRG_191t1); c.1366A>G, p.Thr456Ala (NM_001350234.2); c.1279A>G, p.Thr427Ala (NM_001350235.1); short protein forms T456A, T427A.
Identifiers: ClinVar variation 474023 (VCV000474023.20), dbSNP rs28730674, ClinGen allele CA577179.

ClinVar aggregate classification (germline): Benign. Review status: reviewed by expert panel (3 of 4 stars). 7 submissions from 7 submitters: Benign (1). 6 of the submissions do not count toward it. Last evaluated 2025-12-19.

Conditions:
PIK3CD-related disorder. Also called: PIK3CD-related condition.
Immunodeficiency 14 (IMD14A). Also called: IMMUNODEFICIENCY 14A WITH LYMPHOPROLIFERATION, AUTOSOMAL DOMINANT; ACTIVATED PI3K-DELTA SYNDROME 1; p110-DELTA-ACTIVATING MUTATION CAUSING SENESCENT T CELLS, LYMPHADENOPATHY, AND IMMUNODEFICIENCY; Activated PI3K Delta Syndrome Type 1 (APDS1). Identifiers: Orphanet 397596, Orphanet 693661, MedGen C5907821, MONDO:0014222, OMIM 615513.

Allele frequency attached by ClinVar (database versions not stated): 1000 Genomes Project 30x 0.00703; ESP Exome Variant Server 0.00008; gnomAD exomes 0.00762 and 0.00313; 1000 Genomes Project 0.00779; ExAC 0.00714; gnomAD 0.00337 and 0.00398; TOPMed 0.00351.
gnomAD v4.1: 5,197 of 1,613,142 alleles (0.32%); highest among the groups gnomAD compares: East Asian, 4.7%; 98 homozygotes.

Submissions (7):

ClinGen Primary Immune Regulatory Disorders Variant Curation Expert Panel, ClinGen
Classification: Benign for Immunodeficiency 14. Last evaluated: 2025-12-19. Review status: reviewed by expert panel. Criteria: ClinGen AbDef ACMG Specifications PIK3CD V1.0.0. Collection method: curation. Allele origin: germline. Inheritance: Autosomal dominant inheritance.
Comment: NM_005026.5(PIK3CD):c.1366A>G (p.Thr456Ala) is a missense variant that causes substitution of threonine with alanine at amino acid 456. This variant is present in gnomAD v.4.1.0 at a GrpMax allele frequency of 0.04542, with 2,113 alleles / 44,864 total alleles in the East Asian population, which is higher than the ClinGen Antibody Deficiencies VCEP BA1 threshold of >0.00316 (BA1). The variant appears at similar frequencies in cases affected with primary B-cell immunodeficiency and controls (PMID: 16984281), however, the BS2 code is considered not applicable for this gene-disease relationship due to incomplete penetrance. The computational predictor REVEL gives a score of 0.128, which is below the ClinGen Antibody Deficiencies VCEP threshold of <0.290 and predicts a non-damaging effect on PIK3CD function. The computational predictor CADD gives a PHRED score of 1.783, which is below the ClinGen Antibody Deficiencies VCEP threshold of <22.7 and predicts a non-deleterious effect on PIK3CD function. The two predictors agree on a non-damaging effect (BP4). REVEL assigns this variant a score of 0.128, while CADD assigns this variant a PHRED score of 2.770, both consistent with a non-deleterious impact on the gene product (BP4). In summary, this variant meets the criteria to be classified as benign for autosomal dominant immunodeficiency 14 based on the ACMG/AMP criteria applied, as specified by the ClinGen Antibody Deficiencies VCEP: BA1 and BP4. (VCEP specifications version 1.0.0).

Labcorp Genetics (formerly Invitae), Labcorp
Classification: Benign for Activated PI3K-delta syndrome. Last evaluated: 2026-02-02. Review status: criteria provided, single submitter. Criteria: Invitae Variant Classification Sherloc (09022015). Collection method: clinical testing. Allele origin: germline. Not counted in ClinVar's aggregate classification.

Women's Health and Genetics/Laboratory Corporation of America, LabCorp
Classification: Likely benign. Last evaluated: 2026-01-23. Review status: criteria provided, single submitter. Criteria: LabCorp Variant Classification Summary - May 2015. Collection method: clinical testing. Allele origin: germline. Not counted in ClinVar's aggregate classification.

Mayo Clinic Laboratories, Mayo Clinic
Classification: Benign. Last evaluated: 2023-11-30. Review status: criteria provided, single submitter. Criteria: ACMG Guidelines, 2015. Collection method: clinical testing. Allele origin: germline. Observed: 6 variant alleles. Not counted in ClinVar's aggregate classification.
Comment: BS1, BS2

Genetic Services Laboratory, University of Chicago
Classification: Benign. Last evaluated: 2021-03-24. Review status: criteria provided, single submitter. Criteria: ACMG Guidelines, 2015. Collection method: clinical testing. Allele origin: germline. Affected: no. Not counted in ClinVar's aggregate classification.

Breakthrough Genomics
Classification: Benign. Review status: criteria provided, single submitter. Criteria: ACMG Guidelines, 2015. Collection method: not provided. Allele origin: germline. Inheritance: Autosomal recessive inheritance. Affected: yes. Not counted in ClinVar's aggregate classification.

PreventionGenetics, part of Exact Sciences
Classification: Benign for PIK3CD-related condition. Last evaluated: 2019-03-22. Review status: no assertion criteria provided. Collection method: clinical testing. Allele origin: germline. Not counted in ClinVar's aggregate classification.
Comment: This variant is classified as benign based on ACMG/AMP sequence variant interpretation guidelines (Richards et al. 2015 PMID: 25741868, with internal and published modifications).